The following is an entry in ClinVar:

ClinVar aggregate classification (germline): Uncertain significance (1 of 4 stars; one submission).

Conditions:
Early Myoclonic Encephalopathy. Identifiers: MedGen C0270855.

Allele frequency attached by ClinVar (database versions not stated): gnomAD exomes 0.00002 and 0.00003; TOPMed 0.00002; ExAC 0.00002; gnomAD 0.00001.
gnomAD v4.1: 44 of 1,613,884 alleles (0.0027%); highest among the groups gnomAD compares: Non-Finnish European, 0.0035%; no homozygotes.

Submission:

Labcorp Genetics (formerly Invitae), Labcorp
Classification: Uncertain significance for Early Myoclonic Encephalopathy. Last evaluated: 2025-10-31. Review status: criteria provided, single submitter. Criteria: Invitae Variant Classification Sherloc (09022015). Collection method: clinical testing. Allele origin: germline.
Comment: This sequence change replaces lysine, which is basic and polar, with arginine, which is basic and polar, at codon 545 of the JMJD1C protein (p.Lys545Arg). This variant is present in population databases (rs777955645, gnomAD 0.004%). This variant has not been reported in the literature in individuals affected with JMJD1C-related conditions. ClinVar contains an entry for this variant (Variation ID: 581733). Invitae Evidence Modeling of protein sequence and biophysical properties (such as structural, functional, and spatial information, amino acid conservation, physicochemical variation, residue mobility, and thermodynamic stability) indicates that this missense variant is not expected to disrupt JMJD1C protein function with a negative predictive value of 80%. In summary, the available evidence is currently insufficient to determine the role of this variant in disease. Therefore, it has been classified as a Variant of Uncertain Significance.

NM_032776.3(JMJD1C):c.1634A>G (p.Lys545Arg)

Gene: JMJD1C (jumonji domain containing 1C; minus strand). Cytogenetic location: 10q21.3.
Variant type: single nucleotide variant.
Coding change: c.1634A>G on transcript NM_032776.3 (MANE Select); coding-DNA position 1634, A replaced by G.
Protein change: p.Lys545Arg; replaces lysine 545 with arginine.
Molecular consequence: missense variant. On other transcripts: non-coding transcript variant (1).
Genome position (GRCh38, 1-based): chr10:63,214,533, T>C on the plus strand (A>G on the coding strand, the complement: JMJD1C is on the minus strand). VCF-style: chr10-63214533-T-C. GRCh37 (hg19) VCF-style: chr10-64974293-T-C.
Other names: c.1088A>G, p.Lys363Arg (NM_001282948.2, NM_001318154.2); c.770A>G, p.Lys257Arg (NM_001318153.2); c.1520A>G, p.Lys507Arg (NM_001322252.2); c.977A>G, p.Lys326Arg (NM_001322254.2, NM_001322258.2); short protein forms K545R, K326R, K257R, K363R, K507R.
Identifiers: ClinVar variation 581733 (VCV000581733.8), dbSNP rs777955645, ClinGen allele CA5518776.